The following is an entry in ClinVar:

NM_000376.3(VDR):c.1121C>G (p.Pro374Arg)

Gene: VDR (vitamin D receptor; minus strand). Cytogenetic location: 12q13.11.
Variant type: single nucleotide variant.
Coding change: c.1121C>G on transcript NM_000376.3 (MANE Select); coding-DNA position 1121, C replaced by G.
Protein change: p.Pro374Arg; replaces proline 374 with arginine.
Molecular consequence: missense variant.
Genome position (GRCh38, 1-based): chr12:47,844,909, G>C on the plus strand (C>G on the coding strand, the complement: VDR is on the minus strand). VCF-style: chr12-47844909-G-C. GRCh37 (hg19) VCF-style: chr12-48238692-G-C.
Other names: c.1121C>G, p.Pro374Arg (NM_001017535.2, NM_001364085.2, NM_001374661.1 and 1 more transcripts); c.1271C>G, p.Pro424Arg (NM_001017536.2); short protein forms P424R, P374R.
Identifiers: ClinVar variation 882575 (VCV000882575.10), dbSNP rs200556498, ClinGen allele CA6533742.
Genomic context (GRCh38, chr12:47,844,909, plus strand): 5'-TTGAGGCTGCGCAGGTCGGCTAGCTTCTGGATCATCTTGGCATAGAGCAGGTGGCTGCCC[G>C]GGGGCGGGTGGCGGCAGCGGATGTACGTCTGCAGTGTGTTGGACAGGCGGTCCTGGATGG-3'
Protein context (NP_000367.1, residues 364-384): QTYIRCRHPP[Pro374Arg]GSHLLYAKMI

ClinVar aggregate classification (germline): Uncertain significance. Review status: criteria provided, multiple submitters, no conflicts (2 of 4 stars). 3 submissions from 3 submitters: Uncertain significance (2). 1 of the submissions does not count toward it. Last evaluated 2021-08-14.

Conditions:
Vitamin D-dependent rickets type II with alopecia (VDDR2A). Also called: GENERALIZED RESISTANCE TO 1,25-DIHYDROXYVITAMIN D; HYPOCALCEMIC VITAMIN D-RESISTANT RICKETS; PDDR IIA; PSEUDOVITAMIN D-DEFICIENCY, TYPE IIA; RICKETS, HEREDITARY VITAMIN D-RESISTANT; RICKETS-ALOPECIA SYNDROME. Identifiers: Orphanet 93160, MedGen C0342646, MONDO:0010186, OMIM 277440.

Allele frequency attached by ClinVar (database versions not stated): TOPMed 0.00003; 1000 Genomes Project 30x 0.00016; 1000 Genomes Project 0.00020.
gnomAD v4.1: 24 of 1,614,110 alleles (0.0015%); highest among the groups gnomAD compares: Middle Eastern, 0.016%; no homozygotes.

Submissions (3):

Labcorp Genetics (formerly Invitae), Labcorp
Classification: Uncertain significance. Last evaluated: 2021-08-14. Review status: criteria provided, single submitter. Criteria: Invitae Variant Classification Sherloc (09022015). Collection method: clinical testing. Allele origin: germline.
Comment: This sequence change replaces proline with arginine at codon 374 of the VDR protein (p.Pro374Arg). The proline residue is highly conserved and there is a moderate physicochemical difference between proline and arginine. This variant is present in population databases (rs200556498, ExAC 0.02%). This variant has not been reported in the literature in individuals affected with VDR-related conditions. ClinVar contains an entry for this variant (Variation ID: 882575). Algorithms developed to predict the effect of missense changes on protein structure and function (SIFT, PolyPhen-2, Align-GVGD) all suggest that this variant is likely to be disruptive. In summary, the available evidence is currently insufficient to determine the role of this variant in disease. Therefore, it has been classified as a Variant of Uncertain Significance.

Illumina Laboratory Services, Illumina
Classification: Uncertain significance for Vitamin D-dependent rickets type II with alopecia. Last evaluated: 2017-04-27. Review status: criteria provided, single submitter. Criteria: ICSL Variant Classification Criteria 13 December 2019. Collection method: clinical testing. Allele origin: germline.

Molecular Genetics Laboratory, Biobizkaia Health Research Institute
Classification: Uncertain significance for Vitamin D-dependent rickets type II with alopecia. Last evaluated: 2024-03-08. Review status: no assertion criteria provided. Collection method: clinical testing. Allele origin: germline. Not counted in ClinVar's aggregate classification.